The following is an entry in ClinVar:

ClinVar aggregate classification (germline): Benign. Review status: criteria provided, multiple submitters, no conflicts (2 of 4 stars). 5 submissions from 5 submitters: Benign (5). Last evaluated 2026-02-02.

Conditions:
Congenital microvillous atrophy (DIAR2). Also called: DAVIDSON DISEASE; MICROVILLUS ATROPHY, CONGENITAL; Microvillus inclusion disease; Diarrhea 2 with microvillus atrophy, with or without cholestasis; CONGENITAL FAMILIAL PROTRACTED DIARRHEA WITH ENTEROCYTE BRUSH-BORDER ABNORMALITIES. Identifiers: Orphanet 2290, MedGen C0341306, MONDO:0009635, OMIM 251850.

Allele frequency attached by ClinVar (database versions not stated): gnomAD 0.02050; ESP Exome Variant Server 0.02272; TOPMed 0.02441; 1000 Genomes Project 0.04852; 1000 Genomes Project 30x 0.04872.
gnomAD v4.1: 22,458 of 1,613,866 alleles (1.4%); highest among the groups gnomAD compares: South Asian, 12%; 986 homozygotes.

Submissions (5):

Labcorp Genetics (formerly Invitae), Labcorp
Classification: Benign. Last evaluated: 2026-02-02. Review status: criteria provided, single submitter. Criteria: Invitae Variant Classification Sherloc (09022015). Collection method: clinical testing. Allele origin: germline.

Mayo Clinic Laboratories, Mayo Clinic
Classification: Benign. Last evaluated: 2024-06-10. Review status: criteria provided, single submitter. Criteria: ACMG Guidelines, 2015. Collection method: clinical testing. Allele origin: germline. Observed: 5 variant alleles.

GeneDx
Classification: Benign. Last evaluated: 2021-06-09. Review status: criteria provided, single submitter. Criteria: GeneDx Variant Classification Process June 2021. Collection method: clinical testing. Allele origin: germline. Affected: yes.

Illumina Laboratory Services, Illumina
Classification: Benign for Congenital microvillous atrophy. Last evaluated: 2018-01-13. Review status: criteria provided, single submitter. Criteria: ICSL Variant Classification Criteria 13 December 2019. Collection method: clinical testing. Allele origin: germline.
Comment: This variant was observed in the ICSL laboratory as part of a predisposition screen in an ostensibly healthy population. It had not been previously curated by ICSL or reported in the Human Gene Mutation Database (HGMD: prior to June 1st, 2018), and was therefore a candidate for classification through an automated scoring system. Utilizing variant allele frequency, disease prevalence and penetrance estimates, and inheritance mode, an automated score was calculated to assess if this variant is too frequent to cause the disease. Based on the score and internal cut-off values, a variant classified as benign is not then subjected to further curation. The score for this variant resulted in a classification of benign for this disease.

Breakthrough Genomics
Classification: Benign. Review status: criteria provided, single submitter. Criteria: ACMG Guidelines, 2015. Collection method: not provided. Allele origin: germline. Inheritance: Autosomal recessive inheritance. Affected: yes.

NM_001080467.3(MYO5B):c.5433A>C (p.Leu1811=)

Genes: MYO5B (myosin VB; minus strand), SNHG22 (small nucleolar RNA host gene 22; plus strand). Cytogenetic location: 18q21.1.
Variant type: single nucleotide variant.
Coding change: c.5433A>C on transcript NM_001080467.3 (MANE Select); coding-DNA position 5433, A replaced by C.
Protein change: p.Leu1811=; no amino-acid change (leucine 1811 retained).
Molecular consequence: synonymous variant.
Genome position (GRCh38, 1-based): chr18:49,826,585, T>G on the plus strand (A>C on the coding strand, the complement: MYO5B is on the minus strand). VCF-style: chr18-49826585-T-G. GRCh37 (hg19) VCF-style: chr18-47352955-T-G.
Other names: p.Leu1811=.
Identifiers: ClinVar variation 326998 (VCV000326998.16), dbSNP rs78657366, ClinGen allele CA8960033.